The following is an entry in ClinVar:

NM_194248.3(OTOF):c.2693G>A (p.Gly898Asp)

Gene: OTOF (otoferlin; minus strand). Cytogenetic location: 2p23.3.
Variant type: single nucleotide variant.
Coding change: c.2693G>A on transcript NM_194248.3 (MANE Select); coding-DNA position 2693, G replaced by A.
Protein change: p.Gly898Asp; replaces glycine 898 with aspartic acid.
Molecular consequence: missense variant.
Genome position (GRCh38, 1-based): chr2:26,476,301, C>T on the plus strand (G>A on the coding strand, the complement: OTOF is on the minus strand). VCF-style: chr2-26476301-C-T. GRCh37 (hg19) VCF-style: chr2-26699169-C-T.
Other names: c.2693G>A, p.Gly898Asp (NM_001287489.2); c.452G>A, p.Gly151Asp (NM_004802.4, NM_194323.3); c.623G>A, p.Gly208Asp (NM_194322.3); short protein forms G898D, G208D, G151D.
Identifiers: ClinVar variation 618773 (VCV000618773.14), dbSNP rs772312557, ClinGen allele CA1563794.

ClinVar aggregate classification (germline): Uncertain significance. Review status: criteria provided, multiple submitters, no conflicts (2 of 4 stars). 4 submissions from 4 submitters: Uncertain significance (4). Last evaluated 2025-08-06.

Conditions:
Inborn genetic diseases. Identifiers: MedGen C0950123, MeSH D030342.

Allele frequency attached by ClinVar (database versions not stated): TOPMed 0.00001.
gnomAD v4.1: 23 of 1,604,642 alleles (0.0014%); highest among the groups gnomAD compares: Non-Finnish European, 0.0018%; no homozygotes.

Submissions (4):

Ambry Genetics
Classification: Uncertain significance for Inborn genetic diseases. Last evaluated: 2025-08-06. Review status: criteria provided, single submitter. Criteria: Ambry Variant Classification Scheme 2023. Collection method: clinical testing. Allele origin: germline.

Labcorp Genetics (formerly Invitae), Labcorp
Classification: Uncertain significance. Last evaluated: 2022-06-27. Review status: criteria provided, single submitter. Criteria: Invitae Variant Classification Sherloc (09022015). Collection method: clinical testing. Allele origin: germline.
Comment: This sequence change replaces glycine, which is neutral and non-polar, with aspartic acid, which is acidic and polar, at codon 898 of the OTOF protein (p.Gly898Asp). This variant is present in population databases (rs772312557, gnomAD 0.002%). This variant has not been reported in the literature in individuals affected with OTOF-related conditions. ClinVar contains an entry for this variant (Variation ID: 618773). Algorithms developed to predict the effect of missense changes on protein structure and function (SIFT, PolyPhen-2, Align-GVGD) all suggest that this variant is likely to be disruptive. In summary, the available evidence is currently insufficient to determine the role of this variant in disease. Therefore, it has been classified as a Variant of Uncertain Significance.

ARUP Laboratories, Molecular Genetics and Genomics, ARUP Laboratories
Classification: Uncertain significance. Last evaluated: 2017-07-31. Review status: criteria provided, single submitter. Criteria: ARUP Molecular Germline Variant Investigation Process. Collection method: clinical testing. Allele origin: germline.
Comment: The p.Gly898Asp variant (rs772312557) has not been reported in the medical literature, nor has it been previously identified in our laboratory. It is listed in the Genome Aggregation Database (gnomAD) browser with an overall frequency of 0.001% (identified in 3 out of 234,434 chromosomes). The glycine at codon 898 is moderately conserved considering 12 species (Alamut software v2.9), and computational analyses return mixed results regarding the effect of this variant on OTOF protein structure/function (SIFT: tolerated, PolyPhen2: possibly damaging, and Mutation Taster: disease causing). Thus, based on the available information, the clinical significance of the p.Gly898Asp variant cannot be determined with certainty.

Breakthrough Genomics
Classification: Uncertain significance. Review status: criteria provided, single submitter. Criteria: ACMG Guidelines, 2015. Collection method: not provided. Allele origin: germline. Inheritance: Autosomal recessive inheritance. Affected: yes.